The following is an entry in ClinVar:

NM_021614.4(KCNN2):c.1408T>G (p.Leu470Val)

Gene: KCNN2 (potassium calcium-activated channel subfamily N member 2; plus strand). Cytogenetic location: 5q22.3.
Variant type: single nucleotide variant.
Coding change: c.1408T>G on transcript NM_021614.4 (MANE Select); coding-DNA position 1408, T replaced by G.
Protein change: p.Leu470Val; replaces leucine 470 with valine.
Molecular consequence: missense variant.
Genome position (GRCh38, 1-based): chr5:114,404,627, T>G. VCF-style: chr5-114404627-T-G. GRCh37 (hg19) VCF-style: chr5-113740324-T-G.
Other names: c.1606T>G, p.Leu536Val (NM_001372233.1); short protein forms L470V, L536V.
Identifiers: ClinVar variation 4535209 (VCV004535209.6).

ClinVar aggregate classification (germline): Uncertain significance (1 of 4 stars; one submission).

Submission:

CeGaT Center for Human Genetics Tuebingen
Classification: Uncertain significance. Last evaluated: 2025-11-01. Review status: criteria provided, single submitter. Criteria: CeGaT Center For Human Genetics Tuebingen Variant Classification Criteria Version 2. Collection method: clinical testing. Allele origin: germline. Affected: yes. Observed: 1 variant allele.
Comment: KCNN2: PM2, PP2, PP3